The following is an entry in ClinVar:

ClinVar aggregate classification (germline): Likely benign (1 of 4 stars; one submission).

Allele frequency attached by ClinVar (database versions not stated): ExAC 0.00001; 1000 Genomes Project 30x 0.00078.

Submission:

CeGaT Center for Human Genetics Tuebingen
Classification: Likely benign. Last evaluated: 2026-01-01. Review status: criteria provided, single submitter. Criteria: CeGaT Center For Human Genetics Tuebingen Variant Classification Criteria Version 2. Collection method: clinical testing. Allele origin: germline. Affected: yes. Observed: 6 variant alleles.
Comment: MUC5B: BP4, BP7

NM_002458.3(MUC5B):c.14109A>T (p.Thr4703=)

Gene: MUC5B (mucin 5B, oligomeric mucus/gel-forming; plus strand). Cytogenetic location: 11p15.5.
Variant type: single nucleotide variant.
Coding change: c.14109A>T on transcript NM_002458.3 (MANE Select); coding-DNA position 14109, A replaced by T.
Protein change: p.Thr4703=; no amino-acid change (threonine 4703 retained).
Molecular consequence: synonymous variant.
Genome position (GRCh38, 1-based): chr11:1,250,989, A>T. VCF-style: chr11-1250989-A-T. GRCh37 (hg19) VCF-style: chr11-1272219-A-T.
Identifiers: ClinVar variation 2641305 (VCV002641305.24), dbSNP rs759468623, ClinGen allele CA5808555.